The following is an entry in ClinVar:

ClinVar aggregate classification (germline): Conflicting classifications of pathogenicity. Review status: criteria provided, conflicting classifications (1 of 4 stars). 3 submissions from 3 submitters: Uncertain significance (2); Likely benign (1). Last evaluated 2024-08-06.

Conditions:
Malignant hyperthermia, susceptibility to, 1 (MHS1). Also called: RYR1-Related Malignant Hyperthermia Susceptibility; Anesthesia related hyperthermia; Malignant hyperpyrexia; Fulminating hyperpyrexia; Pharmacogenic myopathy; Malignant hyperthermia suceptibility 1. Identifiers: Orphanet 423, MedGen C2930980, MONDO:0007783, OMIM 145600.
RYR1-related disorder. Also called: RYR1-related condition; RYR1-related disorders. Identifiers: MedGen CN239331.

Allele frequency attached by ClinVar (database versions not stated): gnomAD exomes below 0.00001.

Submissions (3):

All of Us Research Program, National Institutes of Health
Classification: Uncertain significance for Malignant hyperthermia, susceptibility to, 1. Last evaluated: 2024-08-06. Review status: criteria provided, single submitter. Criteria: ACMG Guidelines, 2015. Collection method: clinical testing. Allele origin: germline. Inheritance: Autosomal dominant inheritance. Observed: 3 variant alleles, 3 heterozygotes.
Comment: This variant results in a tandem duplication of c.14364+5_14364+31 sequence in intron 99 of the RYR1 gene. To our knowledge, functional studies have not been reported for this variant. This variant has not been reported in individuals affected with RYR1-related disorders in the literature. This variant has not been identified in the general population by the Genome Aggregation Database (gnomAD). The available evidence is insufficient to determine the role of this variant in disease conclusively. Therefore, this variant is classified as a Variant of Uncertain Significance.

This study involves interpretation of variants in research participants for the purpose of population health screening. Participant phenotype was not available at the time of variant classification. Additional details can be found in publication PMID: 35346344, PMCID: PMC8962531

Color Diagnostics, LLC DBA Color Health
Classification: Uncertain significance for Malignant hyperthermia, susceptibility to, 1. Last evaluated: 2024-02-14. Review status: criteria provided, single submitter. Criteria: ACMG Guidelines, 2015. Collection method: clinical testing. Allele origin: germline.
Comment: This variant results in a tandem duplication of c.14364+5_14364+31 sequence in intron 99 of the RYR1 gene. To our knowledge, functional studies have not been reported for this variant. This variant has not been reported in individuals affected with RYR1-related disorders in the literature. This variant has not been identified in the general population by the Genome Aggregation Database (gnomAD). The available evidence is insufficient to determine the role of this variant in disease conclusively. Therefore, this variant is classified as a Variant of Uncertain Significance.

Labcorp Genetics (formerly Invitae), Labcorp
Classification: Likely benign for RYR1-related disorder. Last evaluated: 2024-02-02. Review status: criteria provided, single submitter. Criteria: Invitae Variant Classification Sherloc (09022015). Collection method: clinical testing. Allele origin: germline.

NM_000540.3(RYR1):c.14364+5_14364+31dup

Gene: RYR1 (ryanodine receptor 1; plus strand). Cytogenetic location: 19q13.2.
Variant type: Duplication.
Coding change: c.14364+5_14364+31dup on transcript NM_000540.3 (MANE Select); bases 5 to 31 of the intron after coding-DNA position 14364, 27 bases duplicated (GCAGGGGCCCACAGACTGGGGAGGGAC).
Molecular consequence: intron variant.
Genome position (GRCh38, 1-based): chr19:38,578,209-38,578,235, GCAGGGGCCCACAGACTGGGGAGGGAC duplicated. VCF-style (leftmost placement, unchanged base first): chr19-38578208-A-AGCAGGGGCCCACAGACTGGGGAGGGAC. GRCh37 (hg19) VCF-style: chr19-39068848-A-AGCAGGGGCCCACAGACTGGGGAGGGAC.
Other names: c.14349+5_14349+31dup (NM_001042723.2).
Identifiers: ClinVar variation 1571789 (VCV001571789.10), dbSNP rs2145889339, ClinGen allele CA2573156322.